The following is an entry in ClinVar:

ClinVar aggregate classification (germline): Benign (1 of 4 stars; one submission).

Allele frequency attached by ClinVar (database versions not stated): gnomAD 0.08191 and 0.09199; TOPMed 0.09562; 1000 Genomes Project 30x 0.18145; 1000 Genomes Project 0.19010.
gnomAD v4.1: 14,006 of 152,262 alleles (9.2%); highest among the groups gnomAD compares: East Asian, 52%; 1,353 homozygotes.

Submission:

GeneDx
Classification: Benign. Last evaluated: 2018-06-18. Review status: criteria provided, single submitter. Criteria: GeneDx Variant Classification (06012015). Collection method: clinical testing. Allele origin: germline. Affected: yes.
Comment: This variant is considered likely benign or benign based on one or more of the following criteria: it is a conservative change, it occurs at a poorly conserved position in the protein, it is predicted to be benign by multiple in silico algorithms, and/or has population frequency not consistent with disease.

NM_177550.5(SLC13A5):c.1276-318G>A

Gene: SLC13A5 (solute carrier family 13 member 5; minus strand). Cytogenetic location: 17p13.1.
Variant type: single nucleotide variant.
Coding change: c.1276-318G>A on transcript NM_177550.5 (MANE Select); 318 bases into the intron before coding-DNA position 1276, G replaced by A.
Molecular consequence: intron variant.
Genome position (GRCh38, 1-based): chr17:6,691,258, C>T on the plus strand (G>A on the coding strand, the complement: SLC13A5 is on the minus strand). VCF-style: chr17-6691258-C-T. GRCh37 (hg19) VCF-style: chr17-6594577-C-T.
Other names: c.1147-318G>A (NM_001284510.2); c.1225-318G>A (NM_001284509.2); c.1276-318G>A (NM_001143838.3).
Identifiers: ClinVar variation 668855 (VCV000668855.1), dbSNP rs76594654, ClinGen allele CA16534435.
Genomic context (GRCh38, chr17:6,691,258, plus strand): 5'-CAACAGACTCAACATGCTCCACCCTGCATTCATCCTCCATAGCCCAGAATCTGCTTCTCT[C>T]TCTGGGCCTCCCAGTTTGGTGAATGGACTCACCATCCACCAGCCATCCAGCCCAGCAGGC-3'